The following is an entry in ClinVar:

NM_007294.4(BRCA1):c.5467+12G>T

Gene: BRCA1 (BRCA1 DNA repair associated; minus strand). Cytogenetic location: 17q21.31.
Variant type: single nucleotide variant.
Coding change: c.5467+12G>T on transcript NM_007294.4 (MANE Select); 12 bases into the intron after coding-DNA position 5467, G replaced by T.
Molecular consequence: intron variant.
Genome position (GRCh38, 1-based): chr17:43,047,631, C>A on the plus strand (G>T on the coding strand, the complement: BRCA1 is on the minus strand). VCF-style: chr17-43047631-C-A. GRCh37 (hg19) VCF-style: chr17-41199648-C-A.
Other names: c.1894+12G>T (NM_001408496.1, NM_001408499.1, NM_001408498.1 and 3 more transcripts); c.5200+12G>T (NM_001407929.1, NM_001407930.1, NM_001407933.1 and 4 more transcripts); c.5203+12G>T (NM_001407924.1, NM_001407920.1, NM_001407923.1 and 4 more transcripts); c.2014+12G>T (NM_001408460.1, NM_001408465.1, NM_001408463.1 and 7 more transcripts); c.2017+12G>T (NM_001408454.1, NM_001408456.1, NM_001408453.1 and 3 more transcripts); c.5320+12G>T (NM_001407852.1, NM_001407853.1, NM_001407843.1 and 12 more transcripts); c.5323+12G>T (NM_001407750.1, NM_001407732.1, NM_001407733.1 and 18 more transcripts); c.5326+12G>T (NM_001407698.1, NM_001407694.1, NM_001407696.1 and 12 more transcripts); and 83 more.
Identifiers: ClinVar variation 868936 (VCV000868936.8), dbSNP rs991060806, ClinGen allele CA916080753.
Genomic context (GRCh38, chr17:43,047,631, plus strand): 5'-CCAGGTAATGAGTGATAAACCAAACCCATGCAAAAGGACCCCATATAGCACAGGTACATG[C>A]AGGCACCTTACCATGGAAGCCATTGTCCTCTGTCCAGGCATCTGGCTGCACAACCACAAT-3'

ClinVar aggregate classification (germline): Likely benign (1 of 4 stars; one submission).

Conditions:
Hereditary breast ovarian cancer syndrome. Also called: Hereditary breast and ovarian cancer; Hereditary breast and ovarian cancer syndrome (HBOC); Breast and ovarian cancer; Hereditary breast and/or ovarian cancer syndrome; BRCA1- and BRCA2-Associated Hereditary Breast and Ovarian Cancer; Hereditary breast and ovarian cancer syndrome. Identifiers: Orphanet 145, MedGen C0677776, MeSH D061325, MONDO:0003582. Disease mechanism: loss of function.

Submissions (2):

Labcorp Genetics (formerly Invitae), Labcorp
Classification: Likely benign for Hereditary breast ovarian cancer syndrome. Last evaluated: 2025-11-24. Review status: criteria provided, single submitter. Criteria: Invitae Variant Classification Sherloc (09022015). Collection method: clinical testing. Allele origin: germline.

Brotman Baty Institute, University of Washington
No classification provided (evidence only). Condition: Breast-ovarian cancer, familial 1. Review status: no classification provided. Collection method: in vitro. Allele origin: not applicable. Functional consequence: functionally_normal. Not counted in ClinVar's aggregate classification.
ClinVar note: "not provided" was previously submitted as the classification for the variant. However, the classification appeared to be based only on an observation of functional data so it was converted to no classification on 2025-07-30.